The following is an entry in ClinVar:

NM_001166108.2(PALLD):c.2586T>A (p.Asp862Glu)

Genes: CBR4 (carbonyl reductase 4; minus strand), PALLD (palladin, cytoskeletal associated protein; plus strand). Cytogenetic location: 4q32.3.
Variant type: single nucleotide variant.
Coding change: c.2586T>A on transcript NM_001166108.2 (MANE Select); coding-DNA position 2586, T replaced by A.
Protein change: p.Asp862Glu; replaces aspartic acid 862 with glutamic acid.
Molecular consequence: missense variant.
Genome position (GRCh38, 1-based): chr4:168,903,870, T>A. VCF-style: chr4-168903870-T-A. GRCh37 (hg19) VCF-style: chr4-169825021-T-A.
Other names: c.1389T>A, p.Asp463Glu (NM_001166109.2); c.1074T>A, p.Asp358Glu (NM_001166110.2); c.414T>A, p.Asp138Glu (NM_001367567.1, NM_001367569.1); c.465T>A, p.Asp155Glu (NM_001367568.1, NM_001367570.1); c.2535T>A, p.Asp845Glu (NM_016081.4); short protein forms D463E, D862E, D845E, D138E, D155E, D358E.
Identifiers: ClinVar variation 4130391 (VCV004130391.1).

ClinVar aggregate classification (germline): Uncertain significance (1 of 4 stars; one submission).

Submission:

Ambry Genetics
Classification: Uncertain significance. Last evaluated: 2025-06-21. Review status: criteria provided, single submitter. Criteria: Ambry Variant Classification Scheme 2023. Collection method: clinical testing. Allele origin: germline.
Comment: The p.D358E variant (also known as c.1074T>A), located in coding exon 5 of the PALLD gene, results from a T to A substitution at nucleotide position 1074. The aspartic acid at codon 358 is replaced by glutamic acid, an amino acid with highly similar properties. This amino acid position is conserved. In addition, this alteration is predicted to be deleterious by in silico analysis. Based on the available evidence, the clinical significance of this variant remains unclear.